The following is an entry in ClinVar:

NM_001199799.2(ILDR1):c.798C>T (p.Ser266=)

Gene: ILDR1 (immunoglobulin like domain containing receptor 1; minus strand). Cytogenetic location: 3q13.33.
Variant type: single nucleotide variant.
Coding change: c.798C>T on transcript NM_001199799.2 (MANE Select); coding-DNA position 798, C replaced by T.
Protein change: p.Ser266=; no amino-acid change (serine 266 retained).
Molecular consequence: synonymous variant.
Genome position (GRCh38, 1-based): chr3:121,993,951, G>A on the plus strand (C>T on the coding strand, the complement: ILDR1 is on the minus strand). VCF-style: chr3-121993951-G-A. GRCh37 (hg19) VCF-style: chr3-121712798-G-A.
Other names: c.531C>T, p.Ser177= (NM_001199800.2); c.666C>T, p.Ser222= (NM_175924.4).
Identifiers: ClinVar variation 668263 (VCV000668263.8), dbSNP rs1576715756, ClinGen allele CA435424006.

ClinVar aggregate classification (germline): Likely benign. Review status: criteria provided, multiple submitters, no conflicts (2 of 4 stars). 2 submissions from 2 submitters: Likely benign (2). Last evaluated 2021-04-01.

Allele frequency attached by ClinVar (database versions not stated): gnomAD exomes below 0.00001.
gnomAD v4.1: 1 of 1,611,438 alleles (0.000062%); highest among the groups gnomAD compares: Non-Finnish European, 0.000085%; no homozygotes.

Submissions (2):

Labcorp Genetics (formerly Invitae), Labcorp
Classification: Likely benign. Last evaluated: 2021-04-01. Review status: criteria provided, single submitter. Criteria: Invitae Variant Classification Sherloc (09022015). Collection method: clinical testing. Allele origin: germline.

GeneDx
Classification: Likely benign. Last evaluated: 2018-05-24. Review status: criteria provided, single submitter. Criteria: GeneDx Variant Classification (06012015). Collection method: clinical testing. Allele origin: germline. Affected: yes.
Comment: This variant is considered likely benign or benign based on one or more of the following criteria: it is a conservative change, it occurs at a poorly conserved position in the protein, it is predicted to be benign by multiple in silico algorithms, and/or has population frequency not consistent with disease.